The following is an entry in ClinVar:

NM_006258.4(PRKG1):c.626G>A (p.Arg209Gln)

Gene: PRKG1 (protein kinase cGMP-dependent 1; plus strand). Cytogenetic location: 10q21.1.
Variant type: single nucleotide variant.
Coding change: c.626G>A on transcript NM_006258.4 (MANE Select); coding-DNA position 626, G replaced by A.
Protein change: p.Arg209Gln; replaces arginine 209 with glutamine.
Molecular consequence: missense variant.
Genome position (GRCh38, 1-based): chr10:51,804,618, G>A. VCF-style: chr10-51804618-G-A. GRCh37 (hg19) VCF-style: chr10-53564378-G-A.
Other names: c.581G>A, p.Arg194Gln (NM_001098512.3); c.626G>A, p.Arg209Gln (NM_001374782.1); short protein forms R194Q, R209Q.
Identifiers: ClinVar variation 3938223 (VCV003938223.1).

ClinVar aggregate classification (germline): Uncertain significance (1 of 4 stars; one submission).

Conditions:
Familial thoracic aortic aneurysm and aortic dissection (TAAD). Also called: Thoracic aortic aneurysms and dissections. Identifiers: Orphanet 91387, MedGen C4707243, MONDO:0019625.

Submission:

Ambry Genetics
Classification: Uncertain significance for Familial thoracic aortic aneurysm and aortic dissection. Last evaluated: 2025-04-12. Review status: criteria provided, single submitter. Criteria: Ambry Variant Classification Scheme 2023. Collection method: clinical testing. Allele origin: germline.
Comment: The p.R209Q variant (also known as c.626G>A), located in coding exon 4 of the PRKG1 gene, results from a G to A substitution at nucleotide position 626. The arginine at codon 209 is replaced by glutamine, an amino acid with highly similar properties. This amino acid position is conserved. In addition, this alteration is predicted to be deleterious by in silico analysis. Based on the available evidence, the clinical significance of this variant remains unclear.